The following is an entry in ClinVar:

NM_007194.4(CHEK2):c.1610del (p.Ala537fs)

Gene: CHEK2 (checkpoint kinase 2; minus strand). Cytogenetic location: 22q12.1.
Variant type: Deletion.
Coding change: c.1610del on transcript NM_007194.4 (MANE Select); coding-DNA position 1610, one base deleted (C; older notation c.1610delC).
Protein change: p.Ala537fs; shifts the reading frame from alanine 537.
Molecular consequence: frameshift variant.
Genome position (GRCh38, 1-based): chr22:28,687,919, G deleted on the plus strand (C on the coding strand, the reverse complement: CHEK2 is on the minus strand). VCF-style (leftmost placement, unchanged base first): chr22-28687918-AG-A. GRCh37 (hg19) VCF-style: chr22-29083906-AG-A.
Other names: c.1739delC, p.Ala580Valfs (NM_001005735.3); c.947delC, p.Ala316Valfs (NM_001257387.3); c.1409delC, p.Ala470Valfs (NM_001349956.3); c.1523delC, p.Ala508Valfs (NM_145862.3); short protein forms A470fs, A508fs, A316fs, A537fs, A580fs.
Identifiers: ClinVar variation 2707002 (VCV002707002.3), dbSNP rs2517747254, ClinGen allele CA2697552611.
Genomic context (GRCh38, chr22:28,687,918, plus strand): 5'-GAAAGAAGGTACATTTCTTTCGTGTTCAAACCACGGAGTTCACAACACAGCAGCACACAC[AG>A]CTGGGCGCTTTGTGGTCTCGGCACCCTCGGCTTCCCCTTCACGGGGCCGCTTTCGACTAG-3'

ClinVar aggregate classification (germline): Uncertain significance (1 of 4 stars; one submission).

Conditions:
Familial cancer of breast. Also called: Hereditary breast cancer; BREAST CANCER, FAMILIAL; hereditary breast carcinoma. Identifiers: Orphanet 227535, MedGen C0346153, MONDO:0016419, OMIM 114480. Disease mechanism: loss of function.

Submission:

Labcorp Genetics (formerly Invitae), Labcorp
Classification: Uncertain significance for Familial cancer of breast. Last evaluated: 2024-01-02. Review status: criteria provided, single submitter. Criteria: Invitae Variant Classification Sherloc (09022015). Collection method: clinical testing. Allele origin: germline.
Comment: This sequence change results in a frameshift in the CHEK2 gene (p.Ala537Valfs*29). While this is not anticipated to result in nonsense mediated decay, it is expected to disrupt the last 7 amino acid(s) of the CHEK2 protein and extend the protein by 21 additional amino acid residues. This variant is not present in population databases (gnomAD no frequency). This variant has not been reported in the literature in individuals affected with CHEK2-related conditions. In summary, the available evidence is currently insufficient to determine the role of this variant in disease. Therefore, it has been classified as a Variant of Uncertain Significance.